The following is an entry in ClinVar:

ClinVar aggregate classification (germline): Uncertain significance (1 of 4 stars; one submission).

Conditions:
Microcephaly 18, primary, autosomal dominant (MCPH18). Identifiers: MedGen C4479608, MONDO:0054593, OMIM 617520.

Submission:

Victorian Clinical Genetics Services, Murdoch Childrens Research Institute
Classification: Uncertain significance for Microcephaly 18, primary, autosomal dominant. Last evaluated: 2023-07-16. Review status: criteria provided, single submitter. Criteria: ACMG Guidelines, 2015. Collection method: clinical testing. Allele origin: germline. Inheritance: Autosomal dominant inheritance. Affected: yes.
Comment: Based on the classification scheme VCGS_Germline_v1.3.4, this variant is classified as VUS-3C. Following criteria are met: 0102 - Loss of function is a known mechanism of disease in this gene and is associated with microcephaly 18, primary (MIM#617520). While the specific function of WDFY3 protein in disease pathogenesis is currently unclear, it has been functionally proven that a downstream effect of the upregulation of Wnt signalling results in microcephaly (MIM#617520) and the downregulation of Wnt signalling leads to macrocephaly. The latter was further supported by mouse models (PMID: 27008544, 31327001). (I) 0107 - This gene is associated with autosomal dominant disease. (I) 0200 - Variant is predicted to result in a missense amino acid change from leucine to arginine. (I) 0251 - This variant is heterozygous. (I) 0301 - Variant is absent from gnomAD (both v2 and v3). (SP) 0502 - Missense variant with benign in silico predictions and high conservation. (I) 0604 - Variant is not located in an established domain, motif, hotspot or informative constraint region. (I) 0705 - No comparable missense variants have previous evidence for pathogenicity. (I) 0807 - This variant has no previous evidence of pathogenicity. (I) 0904 - Non-segregation of this variant with the phenotype under investigation has been clearly demonstrated. (SB) 1007 - No published functional evidence has been identified for this variant. (I) Legend: (SP) - Supporting pathogenic, (I) - Information, (SB) - Supporting benign

Literature cited by the submitters: PubMed 27008544; PubMed 31327001.

NM_014991.6(WDFY3):c.3473T>G (p.Leu1158Arg)

Gene: WDFY3 (WD repeat and FYVE domain containing 3; minus strand). Cytogenetic location: 4q21.23.
Variant type: single nucleotide variant.
Coding change: c.3473T>G on transcript NM_014991.6 (MANE Select); coding-DNA position 3473, T replaced by G.
Protein change: p.Leu1158Arg; replaces leucine 1158 with arginine.
Molecular consequence: missense variant.
Genome position (GRCh38, 1-based): chr4:84,794,533, A>C on the plus strand (T>G on the coding strand, the complement: WDFY3 is on the minus strand). VCF-style: chr4-84794533-A-C. GRCh37 (hg19) VCF-style: chr4-85715686-A-C.
Other names: short protein forms L1158R.
Identifiers: ClinVar variation 1699044 (VCV001699044.3), dbSNP rs2149575345, ClinGen allele CA357559108.